The following is an entry in ClinVar:

ClinVar aggregate classification (germline): Uncertain significance (1 of 4 stars; one submission).

Conditions:
Inborn genetic diseases. Identifiers: MedGen C0950123, MeSH D030342.

gnomAD v4.1: 3 of 1,614,052 alleles (0.00019%); highest among the groups gnomAD compares: Non-Finnish European, 0.00025%; no homozygotes.

Submission:

Ambry Genetics
Classification: Uncertain significance for Inborn genetic diseases. Last evaluated: 2025-03-01. Review status: criteria provided, single submitter. Criteria: Ambry Variant Classification Scheme 2023. Collection method: clinical testing. Allele origin: germline.
Comment: The p.G139D variant (also known as c.416G>A), located in coding exon 4 of the RTEL1 gene, results from a G to A substitution at nucleotide position 416. The glycine at codon 139 is replaced by aspartic acid, an amino acid with similar properties. This amino acid position is conserved. In addition, this alteration is predicted to be deleterious by in silico analysis. Based on the available evidence, the clinical significance of this variant remains unclear.

NM_001283009.2(RTEL1):c.416G>A (p.Gly139Asp)

Genes: RTEL1 (regulator of telomere elongation helicase 1; plus strand), RTEL1-TNFRSF6B (RTEL1-TNFRSF6B readthrough (NMD candidate); plus strand). Cytogenetic location: 20q13.33.
Variant type: single nucleotide variant.
Coding change: c.416G>A on transcript NM_001283009.2 (MANE Select); coding-DNA position 416, G replaced by A.
Protein change: p.Gly139Asp; replaces glycine 139 with aspartic acid.
Molecular consequence: missense variant. On other transcripts: non-coding transcript variant (1), 5 prime UTR variant (1).
Genome position (GRCh38, 1-based): chr20:63,662,566, G>A. VCF-style: chr20-63662566-G-A. GRCh37 (hg19) VCF-style: chr20-62293919-G-A.
Other names: c.-254G>A (NM_001283010.1); c.416G>A, p.Gly139Asp (NM_016434.4); c.488G>A, p.Gly163Asp (NM_032957.5); short protein forms G163D, G139D.
Identifiers: ClinVar variation 3791191 (VCV003791191.1).
Genomic context (GRCh38, chr20:63,662,566, plus strand): 5'-AGACAGCTCCTCCTCGACCCACGGTGCTCTCTCCCACCAGGCCTAAGGTGTGTGTGCTGG[G>A]CTCCCGGGAGCAGCTGTGCATCCATCCTGAGGTGAAGAAACAAGAGAGTAACCATCTACA-3'
Protein context (NP_001269938.1, residues 129-149): TSYRPKVCVL[Gly139Asp]SREQLCIHPE